The following is an entry in ClinVar:

NM_001242896.3(DEPDC5):c.194-1G>A

Gene: DEPDC5 (DEP domain containing 5, GATOR1 subcomplex subunit; plus strand). Cytogenetic location: 22q12.2.
Variant type: single nucleotide variant.
Coding change: c.194-1G>A on transcript NM_001242896.3 (MANE Select); the canonical splice acceptor site of the intron before coding-DNA position 194, G replaced by A.
Molecular consequence: splice acceptor variant.
Genome position (GRCh38, 1-based): chr22:31,764,974, G>A. VCF-style: chr22-31764974-G-A. GRCh37 (hg19) VCF-style: chr22-32160960-G-A.
Other names: NC_000022.10:g.32160960G>A; c.194-1G>A (NM_001364318.2, NM_001136029.4, NM_014662.6 and 9 more transcripts).
Identifiers: ClinVar variation 3081745 (VCV003081745.2), dbSNP rs2148102743, ClinGen allele CA411281077.
Genomic context (GRCh38, chr22:31,764,974, plus strand): 5'-GAATATATGGATCTGCTTTTTCAAAATATGTTATCTGAGCCAGATATTGTTTCTGTTTTA[G>A]AAACTATCAGTGTGGACCAGACTGTGACTCAAGTGTTCCGGCTGAGACCTTATCAGGATG-3'

ClinVar aggregate classification (germline): Likely pathogenic (1 of 4 stars; one submission).

Conditions:
Inborn genetic diseases. Identifiers: MedGen C0950123, MeSH D030342.

Submissions (2):

Ambry Genetics
Classification: Likely pathogenic for Inborn genetic diseases. Last evaluated: 2024-03-01. Review status: criteria provided, single submitter. Criteria: Ambry Variant Classification Scheme 2023. Collection method: clinical testing. Allele origin: germline.
Comment: The c.194-1G>A intronic variant results from a G to A substitution one nucleotide before coding exon 4 of the DEPDC5 gene. Alterations that disrupt the canonical splice site are expected to cause aberrant splicing, resulting in an abnormal protein or a transcript that is subject to nonsense-mediated mRNA decay. This variant was not reported in population-based cohorts in the Genome Aggregation Database (gnomAD). This nucleotide position is highly conserved in available vertebrate species. In silico splice site analysis predicts that this alteration will weaken the native splice acceptor site and will result in the creation or strengthening of a novel splice acceptor site. Based on the available evidence, this alteration is classified as likely pathogenic.

Dr. Peter K. Rogan Lab, Western University
No classification provided (evidence only). Condition: Malignant tumor of urinary bladder. Review status: no classification provided. Collection method: in vitro. Allele origin: not applicable. Functional consequence: retained intron. Not counted in ClinVar's aggregate classification.